The following is an entry in ClinVar:

NM_017763.6(RNF43):c.2264G>A (p.Arg755Lys)

Gene: RNF43 (ring finger protein 43; minus strand). Cytogenetic location: 17q22.
Variant type: single nucleotide variant.
Coding change: c.2264G>A on transcript NM_017763.6 (MANE Select); coding-DNA position 2264, G replaced by A.
Protein change: p.Arg755Lys; replaces arginine 755 with lysine.
Molecular consequence: missense variant.
Genome position (GRCh38, 1-based): chr17:58,357,512, C>T on the plus strand (G>A on the coding strand, the complement: RNF43 is on the minus strand). VCF-style: chr17-58357512-C-T. GRCh37 (hg19) VCF-style: chr17-56434873-C-T.
Other names: c.2264G>A, p.Arg755Lys (NM_001305544.3); c.1883G>A, p.Arg628Lys (NM_001305545.2); short protein forms R755K, R628K.
Identifiers: ClinVar variation 3011096 (VCV003011096.4), dbSNP rs2143384769, ClinGen allele CA400385552.

ClinVar aggregate classification (germline): Uncertain significance. Review status: criteria provided, multiple submitters, no conflicts (2 of 4 stars). 2 submissions from 2 submitters: Uncertain significance (2). Last evaluated 2025-01-05.

Submissions (2):

Ambry Genetics
Classification: Uncertain significance. Last evaluated: 2025-01-05. Review status: criteria provided, single submitter. Criteria: Ambry Variant Classification Scheme 2023. Collection method: clinical testing. Allele origin: germline.
Comment: The p.R755K variant (also known as c.2264G>A), located in coding exon 8 of the RNF43 gene, results from a G to A substitution at nucleotide position 2264. The arginine at codon 755 is replaced by lysine, an amino acid with highly similar properties. This amino acid position is conserved. In addition, this alteration is predicted to be tolerated by in silico analysis. Based on the available evidence, the clinical significance of this variant remains unclear.

Labcorp Genetics (formerly Invitae), Labcorp
Classification: Uncertain significance. Last evaluated: 2024-01-04. Review status: criteria provided, single submitter. Criteria: Invitae Variant Classification Sherloc (09022015). Collection method: clinical testing. Allele origin: germline.
Comment: This sequence change replaces arginine, which is basic and polar, with lysine, which is basic and polar, at codon 755 of the RNF43 protein (p.Arg755Lys). This variant is not present in population databases (gnomAD no frequency). This variant has not been reported in the literature in individuals affected with RNF43-related conditions. An algorithm developed to predict the effect of missense changes on protein structure and function (PolyPhen-2) suggests that this variant is likely to be tolerated. In summary, the available evidence is currently insufficient to determine the role of this variant in disease. Therefore, it has been classified as a Variant of Uncertain Significance.